The following is an entry in ClinVar:

NM_015102.5(NPHP4):c.1503+3A>C

Gene: NPHP4 (nephrocystin 4; minus strand). Cytogenetic location: 1p36.31.
Variant type: single nucleotide variant.
Coding change: c.1503+3A>C on transcript NM_015102.5 (MANE Select); 3 bases into the intron after coding-DNA position 1503, A replaced by C.
Molecular consequence: intron variant.
Genome position (GRCh38, 1-based): chr1:5,909,149, T>G on the plus strand (A>C on the coding strand, the complement: NPHP4 is on the minus strand). VCF-style: chr1-5909149-T-G. GRCh37 (hg19) VCF-style: chr1-5969209-T-G.
Other names: c.76-3366A>C (NM_001291594.2); c.76-3369A>C (NM_001291593.2).
Identifiers: ClinVar variation 1011709 (VCV001011709.6), dbSNP rs1184570247, ClinGen allele CA520734793.

ClinVar aggregate classification (germline): Uncertain significance (1 of 4 stars; one submission).

Conditions:
Nephronophthisis. Also called: Juvenile Nephronophthisis. Identifiers: Orphanet 655, MedGen C0687120, MONDO:0019005, HP:0000090.

Allele frequency attached by ClinVar (database versions not stated): gnomAD exomes below 0.00001.
gnomAD v4.1: 3 of 1,595,300 alleles (0.00019%); highest among the groups gnomAD compares: Non-Finnish European, 0.00026%; no homozygotes.

Submission:

Labcorp Genetics (formerly Invitae), Labcorp
Classification: Uncertain significance for Nephronophthisis. Last evaluated: 2022-07-19. Review status: criteria provided, single submitter. Criteria: Invitae Variant Classification Sherloc (09022015). Collection method: clinical testing. Allele origin: germline.
Comment: In summary, the available evidence is currently insufficient to determine the role of this variant in disease. Therefore, it has been classified as a Variant of Uncertain Significance. Variants that disrupt the consensus splice site are a relatively common cause of aberrant splicing (PMID: 17576681, 9536098). Algorithms developed to predict the effect of sequence changes on RNA splicing suggest that this variant may disrupt the consensus splice site. ClinVar contains an entry for this variant (Variation ID: 1011709). This variant has not been reported in the literature in individuals affected with NPHP4-related conditions. This variant is present in population databases (no rsID available, gnomAD 0.001%). This sequence change falls in intron 12 of the NPHP4 gene. It does not directly change the encoded amino acid sequence of the NPHP4 protein. It affects a nucleotide within the consensus splice site.

Literature cited by the submitters: PubMed 17576681; PubMed 9536098.